The following is an entry in ClinVar:

NM_139318.5(KCNH5):c.2272A>G (p.Ile758Val)

Gene: KCNH5 (potassium voltage-gated channel subfamily H member 5; minus strand). Cytogenetic location: 14q23.2.
Variant type: single nucleotide variant.
Coding change: c.2272A>G on transcript NM_139318.5 (MANE Select); coding-DNA position 2272, A replaced by G.
Protein change: p.Ile758Val; replaces isoleucine 758 with valine.
Molecular consequence: missense variant. On other transcripts: 3 prime UTR variant (1).
Genome position (GRCh38, 1-based): chr14:62,708,203, T>C on the plus strand (A>G on the coding strand, the complement: KCNH5 is on the minus strand). VCF-style: chr14-62708203-T-C. GRCh37 (hg19) VCF-style: chr14-63174921-T-C.
Other names: c.*239A>G (NM_172375.3); short protein forms I758V.
Identifiers: ClinVar variation 3702895 (VCV003702895.2).

ClinVar aggregate classification (germline): Uncertain significance (1 of 4 stars; one submission).

Conditions:
Early-infantile DEE. Also called: Early infantile epileptic encephalopathy with suppression bursts; Early infantile epileptic encephalopathy; Ohtahara syndrome. Identifiers: Orphanet 1934, MedGen C0393706, MONDO:0800491.

gnomAD v4.1: 1 of 1,614,238 alleles (0.000062%); highest among the groups gnomAD compares: Non-Finnish European, 0.000085%; no homozygotes.

Submission:

Labcorp Genetics (formerly Invitae), Labcorp
Classification: Uncertain significance for Early-infantile DEE. Last evaluated: 2024-10-27. Review status: criteria provided, single submitter. Criteria: Invitae Variant Classification Sherloc (09022015). Collection method: clinical testing. Allele origin: germline.
Comment: This sequence change replaces isoleucine, which is neutral and non-polar, with valine, which is neutral and non-polar, at codon 758 of the KCNH5 protein (p.Ile758Val). This variant is not present in population databases (gnomAD no frequency). This variant has not been reported in the literature in individuals affected with KCNH5-related conditions. Invitae Evidence Modeling of protein sequence and biophysical properties (such as structural, functional, and spatial information, amino acid conservation, physicochemical variation, residue mobility, and thermodynamic stability) indicates that this missense variant is not expected to disrupt KCNH5 protein function with a negative predictive value of 95%. In summary, the available evidence is currently insufficient to determine the role of this variant in disease. Therefore, it has been classified as a Variant of Uncertain Significance.